The following is an entry in ClinVar:

NM_001377.3(DYNC2H1):c.8854_8855del (p.Glu2952fs)

Gene: DYNC2H1 (dynein cytoplasmic 2 heavy chain 1; plus strand). Cytogenetic location: 11q22.3.
Variant type: Deletion.
Coding change: c.8854_8855del on transcript NM_001377.3 (MANE Select); coding-DNA positions 8854 to 8855, 2 bases deleted (GA; older notation c.8854_8855delGA).
Protein change: p.Glu2952fs; shifts the reading frame from glutamic acid 2952.
Molecular consequence: frameshift variant.
Genome position (GRCh38, 1-based): chr11:103,219,936-103,219,937, GA deleted; deleting any 2 consecutive bases within chr11:103,219,935-103,219,937 gives the same sequence; the c. name uses the placement nearest the transcript's 3' end. VCF-style (leftmost placement, unchanged base first): chr11-103219934-CAG-C. GRCh37 (hg19) VCF-style: chr11-103090663-CAG-C.
Other names: c.8854_8855del, p.Glu2952fs (NM_001080463.2); short protein forms E2952fs.
Identifiers: ClinVar variation 5014271 (VCV005014271.1).

ClinVar aggregate classification (germline): Pathogenic (1 of 4 stars; one submission).

Conditions:
Asphyxiating thoracic dystrophy 3. Also called: Saldino-Noonan Syndrome; SHORT-RIB THORACIC DYSPLASIA 3 WITH OR WITHOUT POLYDACTYLY; POLYDACTYLY WITH NEONATAL CHONDRODYSTROPHY, TYPE I; SHORT-RIB THORACIC DYSPLASIA 3/6 WITH POLYDACTYLY, DIGENIC; Short rib polydactyly syndrome 2B. Identifiers: Orphanet 474, Orphanet 93269, Orphanet 93270, Orphanet 93271, MedGen C0036069, MONDO:0013127, OMIM 613091.

Submission:

Myriad Genetics, Inc.
Classification: Pathogenic for Asphyxiating thoracic dystrophy 3. Last evaluated: 2025-03-27. Review status: criteria provided, single submitter. Criteria: Myriad Autosomal Dominant, Autosomal Recessive and X-Linked Classification Criteria (2023). Collection method: clinical testing. Allele origin: unknown.
Comment: NM_001377.2(DYNC2H1):c.8854_8855delGA(E2952Tfs*2) is expected to be pathogenic in the context of DYNC2H1-related disorders. This variant is predicted to lead to an abnormal or absent protein product due to the creation of a premature termination codon in DYNC2H1, a gene where loss-of-function variants are known to be pathogenic. Please note: this variant was assessed in the context of healthy population screening.